The following is an entry in ClinVar:

ClinVar aggregate classification (germline): Likely pathogenic. Review status: criteria provided, multiple submitters, no conflicts (2 of 4 stars). 2 submissions from 2 submitters: Likely pathogenic (2). Last evaluated 2022-05-22.

Conditions:
Osteogenesis imperfecta type 15. Also called: OI, TYPE XV; WNT1-related osteogenesis imperfecta; Osteogenesis imperfecta, type xv. Identifiers: Orphanet 666, MedGen C3808844, MONDO:0014086, OMIM 615220.

Submissions (2):

3billion
Classification: Likely pathogenic for Osteogenesis imperfecta type 15. Last evaluated: 2022-05-22. Review status: criteria provided, single submitter. Criteria: ACMG Guidelines, 2015. Collection method: clinical testing. Allele origin: germline. Affected: yes. Observed: 1 homozygote.
Comment: The variant is not observed in the gnomAD v2.1.1 dataset. In silico tool predictions suggest damaging effect of the variant on gene or gene product (REVEL: 0.94). Same nucleotide change resulting in same amino acid change has been previously reported to be associated with WNT1 related disorder (PMID: 23499309). The variant has been reported to co-segregate with the disease in at least one similarly affected relative/individual in the same family or similarly affected unrelated family (PMID:23499309). Therefore, this variant is classified as likely pathogenic according to the recommendation of ACMG/AMP guideline.

Department of Human Genetics, Medical Research Institute, Alexandria University
Classification: Likely pathogenic for Osteogenesis imperfecta type 15. Review status: criteria provided, single submitter. Criteria: ACMG Guidelines, 2015. Collection method: research. Allele origin: biparental. Inheritance: Autosomal recessive inheritance. Affected: yes.

Literature cited by the submitters: PubMed 23499309 (cited by 3billion).

NM_005430.4(WNT1):c.893T>G (p.Phe298Cys)

Gene: WNT1 (Wnt family member 1; plus strand). Cytogenetic location: 12q13.12.
Variant type: single nucleotide variant.
Coding change: c.893T>G on transcript NM_005430.4 (MANE Select); coding-DNA position 893, T replaced by G.
Protein change: p.Phe298Cys; replaces phenylalanine 298 with cysteine.
Molecular consequence: missense variant.
Genome position (GRCh38, 1-based): chr12:48,981,420, T>G. VCF-style: chr12-48981420-T-G. GRCh37 (hg19) VCF-style: chr12-49375203-T-G.
Other names: c.893T>G (NM_005430.3); short protein forms F298C.
Identifiers: ClinVar variation 1687618 (VCV001687618.2), dbSNP rs2137625459, ClinGen allele CA384636831.